The following is an entry in ClinVar:

NM_004715.5(CTDP1):c.768C>T (p.Ile256=)

Gene: CTDP1 (CTD phosphatase 1; plus strand). Cytogenetic location: 18q23.
Variant type: single nucleotide variant.
Coding change: c.768C>T on transcript NM_004715.5 (MANE Select); coding-DNA position 768, C replaced by T.
Protein change: p.Ile256=; no amino-acid change (isoleucine 256 retained).
Molecular consequence: synonymous variant.
Genome position (GRCh38, 1-based): chr18:79,704,913, C>T. VCF-style: chr18-79704913-C-T. GRCh37 (hg19) VCF-style: chr18-77464913-C-T.
Other names: c.411C>T, p.Ile137= (NM_001202504.1); c.768C>T, p.Ile256= (NM_001318511.2, NM_048368.4).
Identifiers: ClinVar variation 722597 (VCV000722597.35), dbSNP rs149224075, ClinGen allele CA9010079.
Genomic context (GRCh38, chr18:79,704,913, plus strand): 5'-CGCCAAGCTGTACGAGCTGCACGTCTTCACCTTCGGCAGCCGGCTGTACGCACACACCAT[C>T]GCAGGTCAGTCAAGCCGCAGCCGAAGAGGCCGTGTGAACAGTGGGTTTCTTTCCTGTTTT-3'
Protein context (NP_004706.3, residues 246-266): TFGSRLYAHT[Ile256=]AGFLDPEKKL

ClinVar aggregate classification (germline): Likely benign. Review status: criteria provided, multiple submitters, no conflicts (2 of 4 stars). 5 submissions from 5 submitters: Likely benign (5). Last evaluated 2026-08-01.

Conditions:
CTDP1-related disorder. Also called: CTDP1-related condition.

Allele frequency attached by ClinVar (database versions not stated): ExAC 0.00046; gnomAD exomes 0.00054 and 0.00086; 1000 Genomes Project 0.00060; ESP Exome Variant Server 0.00069; gnomAD 0.00070 and 0.00077; 1000 Genomes Project 30x 0.00078; TOPMed 0.00082.
gnomAD v4.1: 1,372 of 1,613,084 alleles (0.085%); highest among the groups gnomAD compares: Non-Finnish European, 0.1%; 3 homozygotes.

Submissions (5):

CeGaT Center for Human Genetics Tuebingen
Classification: Likely benign. Last evaluated: 2026-08-01. Review status: criteria provided, single submitter. Criteria: CeGaT Center For Human Genetics Tuebingen Variant Classification Criteria Version 2. Collection method: clinical testing. Allele origin: germline. Affected: yes. Observed: 6 variant alleles.
Comment: CTDP1: BP4, BP7

Labcorp Genetics (formerly Invitae), Labcorp
Classification: Likely benign. Last evaluated: 2026-01-24. Review status: criteria provided, single submitter. Criteria: Invitae Variant Classification Sherloc (09022015). Collection method: clinical testing. Allele origin: germline.

Blueprint Genetics
Classification: Likely benign. Last evaluated: 2024-11-05. Review status: criteria provided, single submitter. Criteria: ACMG Guidelines, 2015. Collection method: clinical testing. Allele origin: germline.

PreventionGenetics, part of Exact Sciences
Classification: Likely benign for CTDP1-related condition. Last evaluated: 2024-10-16. Review status: criteria provided, single submitter. Criteria: ACMG Guidelines, 2015. Collection method: clinical testing. Allele origin: germline.
Comment: This variant is classified as likely benign based on ACMG/AMP sequence variant interpretation guidelines (Richards et al. 2015 PMID: 25741868, with internal and published modifications).

Breakthrough Genomics
Classification: Likely benign. Review status: criteria provided, single submitter. Criteria: ACMG Guidelines, 2015. Collection method: not provided. Allele origin: germline. Inheritance: Autosomal recessive inheritance. Affected: yes.